The following is an entry in ClinVar:

ClinVar aggregate classification (germline): Uncertain significance (1 of 4 stars; one submission).

Submission:

Greenwood Genetic Center Diagnostic Laboratories, Greenwood Genetic Center
Classification: Uncertain significance. Last evaluated: 2026-06-23. Review status: criteria provided, single submitter. Criteria: ACMG Guidelines, 2015. Collection method: clinical testing. Allele origin: germline.
Comment: PM2, PP3

NM_020964.3(EPG5):c.3983+5G>A

Gene: EPG5 (ectopic P-granules 5 autophagy tethering factor; minus strand). Cytogenetic location: 18q21.1.
Variant type: single nucleotide variant.
Coding change: c.3983+5G>A on transcript NM_020964.3 (MANE Select); 5 bases into the intron after coding-DNA position 3983, G replaced by A.
Molecular consequence: intron variant.
Genome position (GRCh38, 1-based): chr18:45,912,285, C>T on the plus strand (G>A on the coding strand, the complement: EPG5 is on the minus strand). VCF-style: chr18-45912285-C-T. GRCh37 (hg19) VCF-style: chr18-43492250-C-T.
Other names: c.3983+5G>A (NM_001410858.1, NM_001410859.1).
Identifiers: ClinVar variation 4891171 (VCV004891171.1).